The following is an entry in ClinVar:

ClinVar aggregate classification (germline): Benign. Review status: criteria provided, single submitter (1 of 4 stars). 2 submissions from 2 submitters: Benign (1). 1 of the submissions does not count toward it. Last evaluated 2025-11-10.

Conditions:
FOXL2-related disorder. Also called: FOXL2-related condition.

Allele frequency attached by ClinVar (database versions not stated): ESP Exome Variant Server 0.00147; 1000 Genomes Project 0.00200; gnomAD 0.00212; 1000 Genomes Project 30x 0.00234; TOPMed 0.00252; gnomAD exomes 0.00017; ExAC 0.00145.

Submissions (2):

Labcorp Genetics (formerly Invitae), Labcorp
Classification: Benign. Last evaluated: 2025-11-10. Review status: criteria provided, single submitter. Criteria: Invitae Variant Classification Sherloc (09022015). Collection method: clinical testing. Allele origin: germline.

PreventionGenetics, part of Exact Sciences
Classification: Likely benign for FOXL2-related condition. Last evaluated: 2019-05-03. Review status: no assertion criteria provided. Collection method: clinical testing. Allele origin: germline. Not counted in ClinVar's aggregate classification.
Comment: This variant is classified as likely benign based on ACMG/AMP sequence variant interpretation guidelines (Richards et al. 2015 PMID: 25741868, with internal and published modifications).

NM_023067.4(FOXL2):c.762G>A (p.Ser254=)

Gene: FOXL2 (forkhead box L2; minus strand). Cytogenetic location: 3q22.3.
Variant type: single nucleotide variant.
Coding change: c.762G>A on transcript NM_023067.4 (MANE Select); coding-DNA position 762, G replaced by A.
Protein change: p.Ser254=; no amino-acid change (serine 254 retained).
Molecular consequence: synonymous variant.
Genome position (GRCh38, 1-based): chr3:138,945,961, C>T on the plus strand (G>A on the coding strand, the complement: FOXL2 is on the minus strand). VCF-style: chr3-138945961-C-T. GRCh37 (hg19) VCF-style: chr3-138664803-C-T.
Other names: c.762G>A (NM_023067.3).
Identifiers: ClinVar variation 1955748 (VCV001955748.7), dbSNP rs374564346, ClinGen allele CA2639728.